The following is an entry in ClinVar:

ClinVar aggregate classification (germline): Benign/Likely benign. Review status: criteria provided, multiple submitters, no conflicts (2 of 4 stars). 6 submissions from 6 submitters: Benign (1); Likely benign (5). Last evaluated 2025-12-05.

Conditions:
Periventricular nodular heterotopia 7 (PVNH7). Identifiers: MedGen C4310669, MONDO:0014966, OMIM 617201.

Allele frequency attached by ClinVar (database versions not stated): TOPMed 0.00031; gnomAD exomes 0.00050; gnomAD 0.00051; ExAC 0.00058; ESP Exome Variant Server 0.00065; 1000 Genomes Project 0.00020; 1000 Genomes Project 30x 0.00031.
gnomAD v4.1: 764 of 1,613,908 alleles (0.047%); highest among the groups gnomAD compares: Non-Finnish European, 0.056%; no homozygotes.

Submissions (6):

Labcorp Genetics (formerly Invitae), Labcorp
Classification: Likely benign. Last evaluated: 2025-12-05. Review status: criteria provided, single submitter. Criteria: Invitae Variant Classification Sherloc (09022015). Collection method: clinical testing. Allele origin: germline.

CeGaT Center for Human Genetics Tuebingen
Classification: Likely benign. Last evaluated: 2025-06-01. Review status: criteria provided, single submitter. Criteria: CeGaT Center For Human Genetics Tuebingen Variant Classification Criteria Version 2. Collection method: clinical testing. Allele origin: germline. Affected: yes. Observed: 2 variant alleles.
Comment: NEDD4L: BP4

Laboratory of Genetics, Children's Clinical University Hospital Latvia
Classification: Likely benign. Last evaluated: 2025-02-16. Review status: criteria provided, single submitter. Criteria: ACMG Guidelines, 2015. Collection method: clinical testing. Allele origin: germline. Affected: yes.

Blueprint Genetics
Classification: Likely benign. Last evaluated: 2024-10-07. Review status: criteria provided, single submitter. Criteria: ACMG Guidelines, 2015. Collection method: clinical testing. Allele origin: germline.

Fulgent Genetics
Classification: Likely benign for Periventricular nodular heterotopia 7. Last evaluated: 2021-07-16. Review status: criteria provided, single submitter. Criteria: ACMG Guidelines, 2015. Collection method: clinical testing. Allele origin: unknown.

GeneDx
Classification: Benign. Last evaluated: 2020-02-27. Review status: criteria provided, single submitter. Criteria: GeneDx Variant Classification Process June 2021. Collection method: clinical testing. Allele origin: germline. Affected: yes.
Comment: This variant is associated with the following publications: (PMID: 27694961)

NM_001144967.3(NEDD4L):c.535T>A (p.Ser179Thr)

Gene: NEDD4L (NEDD4 like E3 ubiquitin protein ligase; plus strand). Cytogenetic location: 18q21.31.
Variant type: single nucleotide variant.
Coding change: c.535T>A on transcript NM_001144967.3 (MANE Select); coding-DNA position 535, T replaced by A.
Protein change: p.Ser179Thr; replaces serine 179 with threonine.
Molecular consequence: missense variant.
Genome position (GRCh38, 1-based): chr18:58,325,017, T>A. VCF-style: chr18-58325017-T-A. GRCh37 (hg19) VCF-style: chr18-55992249-T-A.
Other names: c.172T>A, p.Ser58Thr (NM_001144964.1, NM_001144965.2, NM_001144966.3 and 2 more transcripts); c.511T>A, p.Ser171Thr (NM_001144968.2, NM_001144969.2); c.535T>A, p.Ser179Thr (NM_001243960.2, NM_015277.6); short protein forms S179T, S171T, S58T.
Identifiers: ClinVar variation 417003 (VCV000417003.40), dbSNP rs185533207, ClinGen allele CA8975386.
Genomic context (GRCh38, chr18:58,325,017, plus strand): 5'-AACCAACCTCATAATCGTCCCTTTAACTTTATTCCGCAGCATGGATGGGAAGTTGTTGAC[T>A]CAAATGACTCGGCTTCTCAGCACCAAGAGGAACTTCCTCCTCCTCCTCTGCCTCCCGGGT-3'
Protein context (NP_001138439.1, residues 169-189): DMEHGWEVVD[Ser179Thr]NDSASQHQEE